The following is an entry in ClinVar:

NM_000553.6(WRN):c.4208G>T (p.Arg1403Ile)

Genes: WRN (WRN RecQ like helicase; plus strand), LOC126860342 (MED14-independent group 3 enhancer GRCh37_chr8:31029565-31030764; plus strand). Cytogenetic location: 8p12.
Variant type: single nucleotide variant.
Coding change: c.4208G>T on transcript NM_000553.6 (MANE Select); coding-DNA position 4208, G replaced by T.
Protein change: p.Arg1403Ile; replaces arginine 1403 with isoleucine.
Molecular consequence: missense variant.
Genome position (GRCh38, 1-based): chr8:31,173,011, G>T. VCF-style: chr8-31173011-G-T. GRCh37 (hg19) VCF-style: chr8-31030527-G-T.
Other names: short protein forms R1403I.
Identifiers: ClinVar variation 2742814 (VCV002742814.3), dbSNP rs2536089094, ClinGen allele CA370911573.
Genomic context (GRCh38, chr8:31,173,011, plus strand): 5'-AGTAGTACAAAGATTTGATTTCTTTTTCTTTCTATTTCCTACAGACTTCATCTGCAGAGA[G>T]AAAGAGACGATTACCTGTGTGGTTTGCCAAAGGAAGTGATACCAGCAAGAAATTAATGGA-3'
Protein context (NP_000544.2, residues 1393-1413): GINTETSSAE[Arg1403Ile]KRRLPVWFAK

ClinVar aggregate classification (germline): Uncertain significance (1 of 4 stars; one submission).

Conditions:
Werner syndrome (WRN). Identifiers: Orphanet 902, MedGen C0043119, MONDO:0010196, OMIM 277700.

Submission:

Labcorp Genetics (formerly Invitae), Labcorp
Classification: Uncertain significance for Werner syndrome. Last evaluated: 2023-07-12. Review status: criteria provided, single submitter. Criteria: Invitae Variant Classification Sherloc (09022015). Collection method: clinical testing. Allele origin: germline.
Comment: In summary, the available evidence is currently insufficient to determine the role of this variant in disease. Therefore, it has been classified as a Variant of Uncertain Significance. An algorithm developed to predict the effect of missense changes on protein structure and function (PolyPhen-2) suggests that this variant is likely to be tolerated. This variant has not been reported in the literature in individuals affected with WRN-related conditions. This variant is not present in population databases (gnomAD no frequency). This sequence change replaces arginine, which is basic and polar, with isoleucine, which is neutral and non-polar, at codon 1403 of the WRN protein (p.Arg1403Ile).